The following is an entry in ClinVar:

NM_001353345.2(SETD1B):c.3920T>C (p.Leu1307Pro)

Gene: SETD1B (SET domain containing 1B, histone lysine methyltransferase; plus strand). Cytogenetic location: 12q24.31.
Variant type: single nucleotide variant.
Coding change: c.3920T>C on transcript NM_001353345.2 (MANE Select); coding-DNA position 3920, T replaced by C.
Protein change: p.Leu1307Pro; replaces leucine 1307 with proline.
Molecular consequence: missense variant.
Genome position (GRCh38, 1-based): chr12:121,822,499, T>C. VCF-style: chr12-121822499-T-C. GRCh37 (hg19) VCF-style: chr12-122260405-T-C.
Other names: NM_015048.1:c.3791T>C; short protein forms L1307P.
Identifiers: ClinVar variation 2636988 (VCV002636988.1), dbSNP rs2500231502, ClinGen allele CA386997964.

ClinVar aggregate classification (germline): Uncertain significance (1 of 4 stars; one submission).

Conditions:
SETD1B-related disorder. Also called: SETD1B-related condition.

gnomAD v4.1: 1 of 1,544,380 alleles (0.000065%); highest among the groups gnomAD compares: South Asian, 0.0012%; no homozygotes.

Submission:

PreventionGenetics, part of Exact Sciences
Classification: Uncertain significance for SETD1B-related condition. Last evaluated: 2022-09-22. Review status: criteria provided, single submitter. Criteria: ACMG Guidelines, 2015. Collection method: clinical testing. Allele origin: germline.
Comment: The SETD1B c.3791T>C variant is predicted to result in the amino acid substitution p.Leu1264Pro. To our knowledge, this variant has not been reported in the literature or in a large population database, indicating this variant is rare. At this time, the clinical significance of this variant is uncertain due to the absence of conclusive functional and genetic evidence.